The following is an entry in ClinVar:

NM_000179.3(MSH6):c.1950C>T (p.Gly650=)

Gene: MSH6 (mutS homolog 6; plus strand). Cytogenetic location: 2p16.3.
Variant type: single nucleotide variant.
Coding change: c.1950C>T on transcript NM_000179.3 (MANE Select); coding-DNA position 1950, C replaced by T.
Protein change: p.Gly650=; no amino-acid change (glycine 650 retained).
Molecular consequence: synonymous variant.
Genome position (GRCh38, 1-based): chr2:47,799,933, C>T. VCF-style: chr2-47799933-C-T. GRCh37 (hg19) VCF-style: chr2-48027072-C-T.
Other names: c.1560C>T, p.Gly520= (NM_001281492.2); c.1044C>T, p.Gly348= (NM_001281493.2, NM_001281494.2).
Identifiers: ClinVar variation 455165 (VCV000455165.17), dbSNP rs747380250, ClinGen allele CA068303.
Genomic context (GRCh38, chr2:47,799,933, plus strand): 5'-ATCCAAAACTTTGAGAACTCTCCTTGAGGAAGAATATTTTAGGGAAAAGCTAAGTGATGG[C>T]ATTGGGGTGATGTTACCCCAGGTGCTTAAAGGTATGACTTCAGAGTCTGATTCCATTGGG-3'
Protein context (NP_000170.1, residues 640-660): EEYFREKLSD[Gly650=]IGVMLPQVLK

ClinVar aggregate classification (germline): Benign/Likely benign. Review status: criteria provided, multiple submitters, no conflicts (2 of 4 stars). 6 submissions from 6 submitters: Benign (1); Likely benign (5). Last evaluated 2025-11-20.

Conditions:
Hereditary nonpolyposis colorectal neoplasms. Identifiers: MedGen C0009405, MeSH D003123.
Hereditary cancer-predisposing syndrome. Also called: Hereditary Cancer Syndrome; Hereditary neoplastic syndrome; Neoplastic Syndromes, Hereditary; Tumor predisposition. Identifiers: Orphanet 140162, MedGen C0027672, MeSH D009386, MONDO:0015356.
Lynch syndrome. Identifiers: Orphanet 144, MedGen C4552100, MONDO:0005835. Disease mechanism: loss of function.
Lynch syndrome 5 (LYNCH5). Also called: Hereditary non-polyposis colorectal cancer, type 5; Colorectal cancer, hereditary nonpolyposis, type 5. Identifiers: Orphanet 144, MedGen C1833477, MONDO:0013710, OMIM 614350. Disease mechanism: loss of function.

Allele frequency attached by ClinVar (database versions not stated): TOPMed below 0.00001; gnomAD exomes 0.00001; ExAC 0.00002.
gnomAD v4.1: 5 of 1,614,134 alleles (0.00031%); highest among the groups gnomAD compares: Admixed American, 0.0083%; no homozygotes.

Submissions (6):

Labcorp Genetics (formerly Invitae), Labcorp
Classification: Likely benign for Hereditary nonpolyposis colorectal neoplasms. Last evaluated: 2025-11-20. Review status: criteria provided, single submitter. Criteria: Invitae Variant Classification Sherloc (09022015). Collection method: clinical testing. Allele origin: germline.

Quest Diagnostics Nichols Institute San Juan Capistrano
Classification: Likely benign. Last evaluated: 2025-01-17. Review status: criteria provided, single submitter. Criteria: Quest Diagnostics criteria. Collection method: clinical testing. Allele origin: unknown.

Myriad Genetics, Inc.
Classification: Benign for Lynch syndrome 5. Last evaluated: 2024-12-30. Review status: criteria provided, single submitter. Criteria: Myriad Autosomal Dominant, Autosomal Recessive and X-Linked Classification Criteria (2023). Collection method: clinical testing. Allele origin: unknown.
Comment: This variant is considered benign. This variant is a silent/synonymous amino acid change and it is not expected to impact splicing.

All of Us Research Program, National Institutes of Health
Classification: Likely benign for Lynch syndrome. Last evaluated: 2024-07-29. Review status: criteria provided, single submitter. Criteria: ACMG Guidelines, 2015. Collection method: clinical testing. Allele origin: germline. Inheritance: Autosomal dominant inheritance. Observed: 2 variant alleles, 2 heterozygotes.
Comment: This study involves interpretation of variants in research participants for the purpose of population health screening. Participant phenotype was not available at the time of variant classification. Additional details can be found in publication PMID: 35346344, PMCID: PMC8962531

Ambry Genetics
Classification: Likely benign for Hereditary cancer-predisposing syndrome. Last evaluated: 2022-04-04. Review status: criteria provided, single submitter. Criteria: Ambry Variant Classification Scheme 2023. Collection method: clinical testing. Allele origin: germline.

Color Diagnostics, LLC DBA Color Health
Classification: Likely benign for Hereditary cancer-predisposing syndrome. Last evaluated: 2017-10-06. Review status: criteria provided, single submitter. Criteria: ACMG Guidelines, 2015. Collection method: clinical testing. Allele origin: germline.